The following is an entry in ClinVar:

ClinVar aggregate classification (germline): Uncertain significance. Review status: criteria provided, multiple submitters, no conflicts (2 of 4 stars). 2 submissions from 2 submitters: Uncertain significance (2). Last evaluated 2026-03-11.

Conditions:
Apparent mineralocorticoid excess (AME). Also called: CORTISOL 11-BETA-KETOREDUCTASE DEFICIENCY. Identifiers: Orphanet 320, MedGen C0342488, MONDO:0009025, OMIM 218030.

Submissions (2):

Department of Molecular Genetics, Istishari Arab Hospital
Classification: Uncertain significance for Apparent mineralocorticoid excess. Last evaluated: 2026-03-11. Review status: criteria provided, single submitter. Criteria: ACMG Guidelines, 2015. Collection method: clinical testing. Allele origin: germline. Inheritance: Autosomal recessive inheritance. Affected: yes.
Comment: The HSD11B2 variant c.683G>A, p.Cys228Tyr creates an amino acid change from Cys to Tyr at position 228. This variant is not observed in the gnomAD v4.1.0 dataset and has not been previously described in the literature. It is classified as a variant of uncertain significance according to the recommendations of ACMG/AMP/ClinGen SVI guidelines.

GeneDx
Classification: Uncertain significance. Last evaluated: 2024-01-10. Review status: criteria provided, single submitter. Criteria: GeneDx Variant Classification Process June 2021. Collection method: clinical testing. Allele origin: germline. Affected: yes.
Comment: Not observed at significant frequency in large population cohorts (gnomAD); In silico analysis supports that this missense variant has a deleterious effect on protein structure/function; Has not been previously published as pathogenic or benign to our knowledge

NM_000196.4(HSD11B2):c.683G>A (p.Cys228Tyr)

Gene: HSD11B2 (hydroxysteroid 11-beta dehydrogenase 2; plus strand). Cytogenetic location: 16q22.1.
Variant type: single nucleotide variant.
Coding change: c.683G>A on transcript NM_000196.4 (MANE Select); coding-DNA position 683, G replaced by A.
Protein change: p.Cys228Tyr; replaces cysteine 228 with tyrosine.
Molecular consequence: missense variant.
Genome position (GRCh38, 1-based): chr16:67,436,267, G>A. VCF-style: chr16-67436267-G-A. GRCh37 (hg19) VCF-style: chr16-67470170-G-A.
Other names: p.Cys228Tyr; short protein forms C228Y.
Identifiers: ClinVar variation 3367772 (VCV003367772.2).
Genomic context (GRCh38, chr16:67,436,267, plus strand): 5'-CCTTGCCAAAGCTGAGCTGCCCCACTCCCAATCCATCCGCAGGGGACATGCCATATCCGT[G>A]CTTGGGGGCCTATGGAACCTCCAAAGCGGCCGTGGCGCTACTCATGGACACATTCAGCTG-3'
Protein context (NP_000187.3, residues 218-238): GSPAGDMPYP[Cys228Tyr]LGAYGTSKAA